The following is an entry in ClinVar:

ClinVar aggregate classification (germline): Uncertain significance (1 of 4 stars; one submission).

Conditions:
Myoglobinuria, acute recurrent, autosomal recessive. Also called: MYOGLOBINURIA, FAMILIAL PAROXYSMAL PARALYTIC; RHABDOMYOLYSIS, ACUTE RECURRENT; Myoglobinuria, recurrent, autosomal recessive. Identifiers: Orphanet 99845, MedGen C1849386, MONDO:0009992, OMIM 268200.

gnomAD v4.1: 1 of 1,535,708 alleles (0.000065%); highest among the groups gnomAD compares: Non-Finnish European, 0.000087%; no homozygotes.

Submission:

Mendelics
Classification: Uncertain significance for Myoglobinuria, acute recurrent, autosomal recessive. Last evaluated: 2026-03-05. Review status: criteria provided, single submitter. Criteria: ACMG Guidelines, 2015. Collection method: clinical testing. Allele origin: unknown.
Comment: The available evidence is insufficient to conclusively determine the role of this variant. Therefore, it is classified as a Variant of Uncertain Significance.

NM_001261428.3(LPIN1):c.74G>A (p.Trp25Ter)

Gene: LPIN1 (lipin 1; plus strand). Cytogenetic location: 2p25.1.
Variant type: single nucleotide variant.
Coding change: c.74G>A on transcript NM_001261428.3; coding-DNA position 74, G replaced by A.
Protein change: p.Trp25Ter; replaces tryptophan 25 with a stop codon.
Molecular consequence: nonsense.
Genome position (GRCh38, 1-based): chr2:11,677,721, G>A. VCF-style: chr2-11677721-G-A. GRCh37 (hg19) VCF-style: chr2-11817847-G-A.
Other names: c.74G>A, p.Trp25Ter (NM_001349207.2, NM_001349208.2); short protein forms W25*.
Identifiers: ClinVar variation 4813534 (VCV004813534.1).